The following is an entry in ClinVar:

NM_001110556.2(FLNA):c.1429G>C (p.Ala477Pro)

Gene: FLNA (filamin A; minus strand). Cytogenetic location: Xq28.
Variant type: single nucleotide variant.
Coding change: c.1429G>C on transcript NM_001110556.2 (MANE Select); coding-DNA position 1429, G replaced by C.
Protein change: p.Ala477Pro; replaces alanine 477 with proline.
Molecular consequence: missense variant.
Genome position (GRCh38, 1-based): chrX:154,366,024, C>G on the plus strand (G>C on the coding strand, the complement: FLNA is on the minus strand). VCF-style: chrX-154366024-C-G. GRCh37 (hg19) VCF-style: chrX-153594392-C-G.
Other names: c.1429G>C, p.Ala477Pro (NM_001456.4); c.1429G>C (NM_001456.3); short protein forms A477P.
Identifiers: ClinVar variation 1966741 (VCV001966741.8), dbSNP rs2148117564, ClinGen allele CA415243599.

ClinVar aggregate classification (germline): Uncertain significance. Review status: criteria provided, multiple submitters, no conflicts (2 of 4 stars). 2 submissions from 2 submitters: Uncertain significance (2). Last evaluated 2022-07-11.

Conditions:
Heterotopia, periventricular, X-linked dominant (PVNH1). Also called: PERIVENTRICULAR NODULAR HETEROTOPIA 1; PERIVENTRICULAR NODULAR HETEROTOPIA 4; HETEROTOPIA, PERIVENTRICULAR, 1; X-linked periventricular heterotopia. Identifiers: Orphanet 2149, Orphanet 82004, MedGen C1848213, MONDO:0010233, OMIM 300049.
Melnick-Needles syndrome (MNS). Also called: Melnick-Needles Syndrome (FLNA-MNS); MELNICK-NEEDLES OSTEODYSPLASTY; OSTEODYSPLASTY OF MELNICK AND NEEDLES. Identifiers: Orphanet 2484, MedGen C0025237, MONDO:0010650, OMIM 309350.
Oto-palato-digital syndrome, type II (OPD2). Also called: Otopalatodigital Syndrome Type 2 (FLNA-OPD2); FACIOPALATOOSSEOUS SYNDROME; OPD II SYNDROME; Otopalatodigital Syndrome, Type II. Identifiers: Orphanet 669, Orphanet 90652, MedGen C1844696, MONDO:0010571, OMIM 304120.
Frontometaphyseal dysplasia (FMD1). Identifiers: Orphanet 1826, MedGen C0265293, MONDO:0015942.

Submissions (2):

Revvity Omics, Revvity
Classification: Uncertain significance. Last evaluated: 2022-07-11. Review status: criteria provided, single submitter. Criteria: ACMG Guidelines, 2015. Collection method: clinical testing. Allele origin: germline.

Labcorp Genetics (formerly Invitae), Labcorp
Classification: Uncertain significance for Oto-palato-digital syndrome, type II; Heterotopia, periventricular, X-linked dominant; Frontometaphyseal dysplasia; Melnick-Needles syndrome. Last evaluated: 2022-01-20. Review status: criteria provided, single submitter. Criteria: Invitae Variant Classification Sherloc (09022015). Collection method: clinical testing. Allele origin: germline.
Comment: This variant is not present in population databases (gnomAD no frequency). In summary, the available evidence is currently insufficient to determine the role of this variant in disease. Therefore, it has been classified as a Variant of Uncertain Significance. Variants that disrupt the consensus splice site are a relatively common cause of aberrant splicing (PMID: 17576681, 9536098). Algorithms developed to predict the effect of sequence changes on RNA splicing suggest that this variant may disrupt the consensus splice site. Algorithms developed to predict the effect of missense changes on protein structure and function are either unavailable or do not agree on the potential impact of this missense change (SIFT: "Deleterious"; PolyPhen-2: "Benign"; Align-GVGD: "Class C0"). This variant has not been reported in the literature in individuals affected with FLNA-related conditions. This sequence change replaces alanine, which is neutral and non-polar, with proline, which is neutral and non-polar, at codon 477 of the FLNA protein (p.Ala477Pro). This variant also falls at the last nucleotide of exon 9, which is part of the consensus splice site for this exon.

Literature cited by the submitters: PubMed 17576681 (cited by Labcorp Genetics (formerly Invitae), Labcorp); PubMed 9536098 (cited by Labcorp Genetics (formerly Invitae), Labcorp).